The following is an entry in ClinVar:

NM_020800.3(IFT80):c.2302C>T (p.Gln768Ter)

Genes: IFT80 (intraflagellar transport 80; minus strand), TRIM59-IFT80 (TRIM59-IFT80 readthrough (NMD candidate); minus strand). Cytogenetic location: 3q25.33.
Variant type: single nucleotide variant.
Coding change: c.2302C>T on transcript NM_020800.3 (MANE Select); coding-DNA position 2302, C replaced by T.
Protein change: p.Gln768Ter; replaces glutamine 768 with a stop codon.
Molecular consequence: nonsense. On other transcripts: non-coding transcript variant (3).
Genome position (GRCh38, 1-based): chr3:160,258,557, G>A on the plus strand (C>T on the coding strand, the complement: IFT80 is on the minus strand). VCF-style: chr3-160258557-G-A. GRCh37 (hg19) VCF-style: chr3-159976345-G-A.
Other names: c.1891C>T, p.Gln631Ter (NM_001190241.2, NM_001190242.2); short protein forms Q768*, Q631*.
Identifiers: ClinVar variation 1466462 (VCV001466462.6), dbSNP rs778690591, ClinGen allele CA2684913.

ClinVar aggregate classification (germline): Uncertain significance. Review status: criteria provided, multiple submitters, no conflicts (2 of 4 stars). 2 submissions from 2 submitters: Uncertain significance (2). Last evaluated 2024-05-20.

Conditions:
Jeune thoracic dystrophy. Also called: Jeune syndrome; Infantile thoracic dystrophy; Thoracic pelvic phalangeal dystrophy; Jeune's syndrome; Chondroectodermal dysplasia-like syndrome; Short-rib thoracic dysplasia. Identifiers: Orphanet 474, MedGen C0265275, MONDO:0018770.
Asphyxiating thoracic dystrophy 2 (SRTD2). Also called: SHORT-RIB THORACIC DYSPLASIA 2 WITH POLYDACTYLY; SHORT-RIB THORACIC DYSPLASIA 2 WITHOUT POLYDACTYLY; SHORT-RIB THORACIC DYSPLASIA 2 WITH OR WITHOUT POLYDACTYLY. Identifiers: Orphanet 474, MedGen C1970005, MONDO:0012644, OMIM 611263.

Allele frequency attached by ClinVar (database versions not stated): gnomAD exomes below 0.00001; ExAC 0.00001.

Submissions (2):

Fulgent Genetics
Classification: Uncertain significance for Asphyxiating thoracic dystrophy 2. Last evaluated: 2024-05-20. Review status: criteria provided, single submitter. Criteria: ACMG Guidelines, 2015. Collection method: clinical testing. Allele origin: germline.

Labcorp Genetics (formerly Invitae), Labcorp
Classification: Uncertain significance for Jeune thoracic dystrophy. Last evaluated: 2021-01-27. Review status: criteria provided, single submitter. Criteria: Invitae Variant Classification Sherloc (09022015). Collection method: clinical testing. Allele origin: germline.
Comment: This sequence change creates a premature translational stop signal (p.Gln768*) in the IFT80 gene. While this is not anticipated to result in nonsense mediated decay, it is expected to disrupt the last 10 amino acid(s) of the IFT80 protein. In summary, the available evidence is currently insufficient to determine the role of this variant in disease. Therefore, it has been classified as a Variant of Uncertain Significance. Experimental studies and prediction algorithms are not available or were not evaluated, and the functional significance of this variant is currently unknown. This variant has not been reported in the literature in individuals with IFT80-related conditions. This variant is present in population databases (rs778690591, ExAC 0.001%).